The following is an entry in ClinVar:

ClinVar aggregate classification (germline): Uncertain significance. Review status: criteria provided, multiple submitters, no conflicts (2 of 4 stars). 2 submissions from 2 submitters: Uncertain significance (2). Last evaluated 2025-09-11.

Conditions:
Inborn genetic diseases. Identifiers: MedGen C0950123, MeSH D030342.

Allele frequency attached by ClinVar (database versions not stated): gnomAD exomes below 0.00001; gnomAD 0.00001; TOPMed 0.00005.
gnomAD v4.1: 4 of 1,613,464 alleles (0.00025%); highest among the groups gnomAD compares: Admixed American, 0.0017%; no homozygotes.

Submissions (2):

Ambry Genetics
Classification: Uncertain significance for Inborn genetic diseases. Last evaluated: 2025-09-11. Review status: criteria provided, single submitter. Criteria: Ambry Variant Classification Scheme 2023. Collection method: clinical testing. Allele origin: germline.

Labcorp Genetics (formerly Invitae), Labcorp
Classification: Uncertain significance. Last evaluated: 2024-01-04. Review status: criteria provided, single submitter. Criteria: Invitae Variant Classification Sherloc (09022015). Collection method: clinical testing. Allele origin: germline.
Comment: This sequence change replaces valine, which is neutral and non-polar, with methionine, which is neutral and non-polar, at codon 443 of the GUCY2C protein (p.Val443Met). This variant is not present in population databases (gnomAD no frequency). This variant has not been reported in the literature in individuals affected with GUCY2C-related conditions. Advanced modeling of protein sequence and biophysical properties (such as structural, functional, and spatial information, amino acid conservation, physicochemical variation, residue mobility, and thermodynamic stability) performed at Invitae indicates that this missense variant is not expected to disrupt GUCY2C protein function with a negative predictive value of 80%. In summary, the available evidence is currently insufficient to determine the role of this variant in disease. Therefore, it has been classified as a Variant of Uncertain Significance.

NM_004963.4(GUCY2C):c.1327G>A (p.Val443Met)

Gene: GUCY2C (guanylate cyclase 2C; minus strand). Cytogenetic location: 12p12.3.
Variant type: single nucleotide variant.
Coding change: c.1327G>A on transcript NM_004963.4 (MANE Select); coding-DNA position 1327, G replaced by A.
Protein change: p.Val443Met; replaces valine 443 with methionine.
Molecular consequence: missense variant.
Genome position (GRCh38, 1-based): chr12:14,661,018, C>T on the plus strand (G>A on the coding strand, the complement: GUCY2C is on the minus strand). VCF-style: chr12-14661018-C-T. GRCh37 (hg19) VCF-style: chr12-14813952-C-T.
Other names: c.1327G>A (NM_004963.3); short protein forms V443M.
Identifiers: ClinVar variation 2908333 (VCV002908333.4), dbSNP rs1334169516, ClinGen allele CA383993927.
Genomic context (GRCh38, chr12:14,661,018, plus strand): 5'-AGGCATGATAGAGGCGGCTGTACCTGAGCATCAGGAGAGCGACGAGCAGGAGCAGCACCA[C>T]AGCTCCAGTGAGGGTGAAGACTGCAATCATCAGGATCTGAGGGCCTGTGGCGGAAAATGC-3'
Protein context (NP_004954.2, residues 433-453): MIAVFTLTGA[Val443Met]VLLLLVALLM